The following is an entry in ClinVar:

NM_133459.4(CCBE1):c.634G>A (p.Val212Met)

Gene: CCBE1 (collagen and calcium binding EGF domains 1; minus strand). Cytogenetic location: 18q21.32.
Variant type: single nucleotide variant.
Coding change: c.634G>A on transcript NM_133459.4 (MANE Select); coding-DNA position 634, G replaced by A.
Protein change: p.Val212Met; replaces valine 212 with methionine.
Molecular consequence: missense variant.
Genome position (GRCh38, 1-based): chr18:59,454,871, C>T on the plus strand (G>A on the coding strand, the complement: CCBE1 is on the minus strand). VCF-style: chr18-59454871-C-T. GRCh37 (hg19) VCF-style: chr18-57122103-C-T.
Other names: short protein forms V212M.
Identifiers: ClinVar variation 1990175 (VCV001990175.2), dbSNP rs774596513, ClinGen allele CA8980401.
Genomic context (GRCh38, chr18:59,454,871, plus strand): 5'-TTCCATCAGGCATCATCGTTCCCACCCCAGCGGCACGTACCTTTTGCTTCAGCTGCAGCA[C>T]GGTCTGCTTCATCTGGTAGAACTCCTTGCATGTGGCACAGCAAGTTCCGGCTTTCACCAT-3'
Protein context (NP_597716.1, residues 202-222): CKEFYQMKQT[Val212Met]LQLKQKIALL

ClinVar aggregate classification (germline): Uncertain significance (1 of 4 stars; one submission).

Allele frequency attached by ClinVar (database versions not stated): TOPMed below 0.00001; ExAC 0.00001; gnomAD 0.00001; gnomAD exomes 0.00001.
gnomAD v4.1: 19 of 1,614,060 alleles (0.0012%); highest among the groups gnomAD compares: Middle Eastern, 0.016%; no homozygotes.

Submission:

Labcorp Genetics (formerly Invitae), Labcorp
Classification: Uncertain significance. Last evaluated: 2022-08-12. Review status: criteria provided, single submitter. Criteria: Invitae Variant Classification Sherloc (09022015). Collection method: clinical testing. Allele origin: germline.
Comment: In summary, the available evidence is currently insufficient to determine the role of this variant in disease. Therefore, it has been classified as a Variant of Uncertain Significance. Algorithms developed to predict the effect of missense changes on protein structure and function are either unavailable or do not agree on the potential impact of this missense change (SIFT: "Deleterious"; PolyPhen-2: "Possibly Damaging"; Align-GVGD: "Class C0"). This variant has not been reported in the literature in individuals affected with CCBE1-related conditions. This variant is present in population databases (rs774596513, gnomAD 0.01%). This sequence change replaces valine, which is neutral and non-polar, with methionine, which is neutral and non-polar, at codon 212 of the CCBE1 protein (p.Val212Met).